The following is an entry in ClinVar:

NM_006031.6(PCNT):c.-6A>T

Gene: PCNT (pericentrin; plus strand). Cytogenetic location: 21q22.3.
Variant type: single nucleotide variant.
Coding change: c.-6A>T on transcript NM_006031.6 (MANE Select); 6 bases upstream of the start codon, A replaced by T.
Molecular consequence: 5 prime UTR variant.
Genome position (GRCh38, 1-based): chr21:46,324,223, A>T. VCF-style: chr21-46324223-A-T. GRCh37 (hg19) VCF-style: chr21-47744137-A-T.
Identifiers: ClinVar variation 3042562 (VCV003042562.2), dbSNP rs376774947, ClinGen allele CA10078080.

ClinVar aggregate classification (germline): Likely benign (0 of 4 stars; one submission).

Conditions:
PCNT-related disorder. Also called: PCNT-related condition.

Allele frequency attached by ClinVar (database versions not stated): gnomAD 0.00003; TOPMed 0.00003; ExAC 0.00004; gnomAD exomes 0.00004; ESP Exome Variant Server 0.00015.
gnomAD v4.1: 63 of 1,610,276 alleles (0.0039%); highest among the groups gnomAD compares: Admixed American, 0.005%; no homozygotes.

Submission:

PreventionGenetics, part of Exact Sciences
Classification: Likely benign for PCNT-related condition. Last evaluated: 2021-04-07. Review status: no assertion criteria provided. Collection method: clinical testing. Allele origin: germline.
Comment: This variant is classified as likely benign based on ACMG/AMP sequence variant interpretation guidelines (Richards et al. 2015 PMID: 25741868, with internal and published modifications).